The following is an entry in ClinVar:

NM_000051.4(ATM):c.6901G>C (p.Ala2301Pro)

Genes: ATM (ATM serine/threonine kinase; plus strand), C11orf65 (chromosome 11 open reading frame 65; minus strand). Cytogenetic location: 11q22.3.
Variant type: single nucleotide variant.
Coding change: c.6901G>C on transcript NM_000051.4 (MANE Select); coding-DNA position 6901, G replaced by C.
Protein change: p.Ala2301Pro; replaces alanine 2301 with proline.
Molecular consequence: missense variant. On other transcripts: intron variant (2).
Genome position (GRCh38, 1-based): chr11:108,326,151, G>C. VCF-style: chr11-108326151-G-C. GRCh37 (hg19) VCF-style: chr11-108196878-G-C.
Other names: c.6901G>C, p.Ala2301Pro (NM_001351834.2); c.641-17080C>G (NM_001330368.2); c.*38+9069C>G (NM_001351110.2); short protein forms A2301P.
Identifiers: ClinVar variation 482550 (VCV000482550.13), dbSNP rs1060501668, ClinGen allele CA382556960.
Genomic context (GRCh38, chr11:108,326,151, plus strand): 5'-TACAATTCAGTTAGCTGTGGAGTCTCTGAGTGGCAGCTGGAAGAAGCACAAGTATTCTGG[G>C]CAAAAAAGGAGCAGAGTCTTGCCCTGAGTATTCTCAAGCAAATGATCAAGAAGTTGGATG-3'
Protein context (NP_000042.3, residues 2291-2311): WQLEEAQVFW[Ala2301Pro]KKEQSLALSI

ClinVar aggregate classification (germline): Uncertain significance. Review status: criteria provided, multiple submitters, no conflicts (2 of 4 stars). 2 submissions from 2 submitters: Uncertain significance (2). Last evaluated 2025-06-27.

Conditions:
Hereditary cancer-predisposing syndrome. Also called: Neoplastic Syndromes, Hereditary; Hereditary Cancer Syndrome; Tumor predisposition; Hereditary neoplastic syndrome. Identifiers: Orphanet 140162, MedGen C0027672, MeSH D009386, MONDO:0015356.
Ataxia-telangiectasia syndrome (AT). Also called: LOUIS-BAR SYNDROME; Cerebello-oculocutaneous telangiectasia; Immunodeficiency with ataxia telangiectasia; Ataxia-telangiectasia, complementation group D; AT, COMPLEMENTATION GROUP C; Ataxia-telangiectasia, complementation group E. Identifiers: Orphanet 100, MedGen C0004135, MONDO:0008840, OMIM 208900.

Submissions (2):

Labcorp Genetics (formerly Invitae), Labcorp
Classification: Uncertain significance for Ataxia-telangiectasia syndrome. Last evaluated: 2025-06-27. Review status: criteria provided, single submitter. Criteria: Invitae Variant Classification Sherloc (09022015). Collection method: clinical testing. Allele origin: germline.
Comment: This sequence change replaces alanine, which is neutral and non-polar, with proline, which is neutral and non-polar, at codon 2301 of the ATM protein (p.Ala2301Pro). This variant is not present in population databases (gnomAD no frequency). This variant has not been reported in the literature in individuals affected with ATM-related conditions. ClinVar contains an entry for this variant (Variation ID: 482550). Invitae Evidence Modeling of protein sequence and biophysical properties (such as structural, functional, and spatial information, amino acid conservation, physicochemical variation, residue mobility, and thermodynamic stability) has been performed for this missense variant. However, the output from this modeling did not meet the statistical confidence thresholds required to predict the impact of this variant on ATM protein function. In summary, the available evidence is currently insufficient to determine the role of this variant in disease. Therefore, it has been classified as a Variant of Uncertain Significance.

Ambry Genetics
Classification: Uncertain significance for Hereditary cancer-predisposing syndrome. Last evaluated: 2016-10-19. Review status: criteria provided, single submitter. Criteria: Ambry Variant Classification Scheme 2023. Collection method: clinical testing. Allele origin: germline.
Comment: The p.A2301P variant (also known as c.6901G>C), located in coding exon 46 of the ATM gene, results from a G to C substitution at nucleotide position 6901. The alanine at codon 2301 is replaced by proline, an amino acid with highly similar properties. This variant was not reported in population based cohorts in the following databases: Database of Single Nucleotide Polymorphisms (dbSNP), NHLBI Exome Sequencing Project (ESP), and 1000 Genomes Project. In the ESP, this variant was not observed in 6499 samples (12998 alleles) with coverage at this position. To date, this alteration has been detected with an allele frequency of approximately 0.001% (greater than 180000 alleles tested) in our clinical cohort. This amino acid position is well conserved in available vertebrate species. In addition, this alteration is predicted to be deleterious by in silico analysis. Since supporting evidence is limited at this time, the clinical significance of this alteration remains unclear.